The following is an entry in ClinVar:

NM_020937.4(FANCM):c.4367G>T (p.Arg1456Leu)

Gene: FANCM (FA complementation group M; plus strand). Cytogenetic location: 14q21.2.
Variant type: single nucleotide variant.
Coding change: c.4367G>T on transcript NM_020937.4 (MANE Select); coding-DNA position 4367, G replaced by T.
Protein change: p.Arg1456Leu; replaces arginine 1456 with leucine.
Molecular consequence: missense variant.
Genome position (GRCh38, 1-based): chr14:45,181,686, G>T. VCF-style: chr14-45181686-G-T. GRCh37 (hg19) VCF-style: chr14-45650889-G-T.
Other names: c.4289G>T, p.Arg1430Leu (NM_001308133.2); c.4367G>T (NM_020937.2); short protein forms R1430L, R1456L.
Identifiers: ClinVar variation 1045131 (VCV001045131.9), dbSNP rs749332566, ClinGen allele CA7169709.

ClinVar aggregate classification (germline): Uncertain significance. Review status: criteria provided, multiple submitters, no conflicts (2 of 4 stars). 2 submissions from 2 submitters: Uncertain significance (2). Last evaluated 2023-11-16.

Conditions:
Fanconi anemia (FA). Also called: Fanconi's anemia. Identifiers: Orphanet 84, MedGen C0015625, MeSH D005199, MONDO:0019391.

gnomAD v4.1: 25 of 1,608,910 alleles (0.0016%); highest among the groups gnomAD compares: South Asian, 0.0033%; 1 homozygote.

Submissions (2):

GeneDx
Classification: Uncertain significance. Last evaluated: 2023-11-16. Review status: criteria provided, single submitter. Criteria: GeneDx Variant Classification Process June 2021. Collection method: clinical testing. Allele origin: germline. Affected: yes.
Comment: Not observed at significant frequency in large population cohorts (gnomAD); In silico analysis supports that this missense variant has a deleterious effect on protein structure/function; Has not been previously published as pathogenic or benign to our knowledge

Labcorp Genetics (formerly Invitae), Labcorp
Classification: Uncertain significance for Fanconi anemia. Last evaluated: 2023-08-06. Review status: criteria provided, single submitter. Criteria: Invitae Variant Classification Sherloc (09022015). Collection method: clinical testing. Allele origin: germline.
Comment: In summary, the available evidence is currently insufficient to determine the role of this variant in disease. Therefore, it has been classified as a Variant of Uncertain Significance. An algorithm developed to predict the effect of missense changes on protein structure and function (PolyPhen-2) suggests that this variant is likely to be disruptive. ClinVar contains an entry for this variant (Variation ID: 1045131). This variant has not been reported in the literature in individuals affected with FANCM-related conditions. This variant is present in population databases (rs749332566, gnomAD 0.01%). This sequence change replaces arginine, which is basic and polar, with leucine, which is neutral and non-polar, at codon 1456 of the FANCM protein (p.Arg1456Leu).